The following is an entry in ClinVar:

ClinVar aggregate classification (germline): Likely benign. Review status: criteria provided, multiple submitters, no conflicts (2 of 4 stars). 3 submissions from 3 submitters: Likely benign (3). Last evaluated 2025-10-29.

Allele frequency attached by ClinVar (database versions not stated): ExAC 0.00010; gnomAD 0.00010; TOPMed 0.00011; 1000 Genomes Project 30x 0.00016; 1000 Genomes Project 0.00020; ESP Exome Variant Server 0.00023.
gnomAD v4.1: 81 of 1,614,142 alleles (0.005%); highest among the groups gnomAD compares: African/African-American, 0.035%; no homozygotes.

Submissions (3):

Labcorp Genetics (formerly Invitae), Labcorp
Classification: Likely benign. Last evaluated: 2025-10-29. Review status: criteria provided, single submitter. Criteria: Invitae Variant Classification Sherloc (09022015). Collection method: clinical testing. Allele origin: germline.

Blueprint Genetics
Classification: Likely benign. Last evaluated: 2024-11-27. Review status: criteria provided, single submitter. Criteria: ACMG Guidelines, 2015. Collection method: clinical testing. Allele origin: germline.

CeGaT Center for Human Genetics Tuebingen
Classification: Likely benign. Last evaluated: 2022-03-01. Review status: criteria provided, single submitter. Criteria: CeGaT Center For Human Genetics Tuebingen Variant Classification Criteria Version 2. Collection method: clinical testing. Allele origin: germline. Affected: yes. Observed: 1 variant allele.
Comment: LAMA1: BP4, BP7

NM_005559.4(LAMA1):c.5790G>A (p.Thr1930=)

Gene: LAMA1 (laminin subunit alpha 1; minus strand). Cytogenetic location: 18p11.31.
Variant type: single nucleotide variant.
Coding change: c.5790G>A on transcript NM_005559.4 (MANE Select); coding-DNA position 5790, G replaced by A.
Protein change: p.Thr1930=; no amino-acid change (threonine 1930 retained).
Molecular consequence: synonymous variant.
Genome position (GRCh38, 1-based): chr18:6,983,105, C>T on the plus strand (G>A on the coding strand, the complement: LAMA1 is on the minus strand). VCF-style: chr18-6983105-C-T. GRCh37 (hg19) VCF-style: chr18-6983104-C-T.
Identifiers: ClinVar variation 2187272 (VCV002187272.29), dbSNP rs138961424, ClinGen allele CA8881493.